The following is an entry in ClinVar:

NM_000322.5(PRPH2):c.738G>T (p.Trp246Cys)

Gene: PRPH2 (peripherin 2; minus strand). Cytogenetic location: 6p21.1.
Variant type: single nucleotide variant.
Coding change: c.738G>T on transcript NM_000322.5 (MANE Select); coding-DNA position 738, G replaced by T.
Protein change: p.Trp246Cys; replaces tryptophan 246 with cysteine.
Molecular consequence: missense variant.
Genome position (GRCh38, 1-based): chr6:42,704,455, C>A on the plus strand (G>T on the coding strand, the complement: PRPH2 is on the minus strand). VCF-style: chr6-42704455-C-A. GRCh37 (hg19) VCF-style: chr6-42672193-C-A.
Other names: short protein forms W246C.
Identifiers: ClinVar variation 3635278 (VCV003635278.2).

ClinVar aggregate classification (germline): Pathogenic (1 of 4 stars; one submission).

Conditions:
PRPH2-related disorder. Also called: PRPH2-related disorders; PRPH2-related condition. Identifiers: MedGen CN239395.

Submission:

Labcorp Genetics (formerly Invitae), Labcorp
Classification: Pathogenic for PRPH2-related disorder. Last evaluated: 2024-05-15. Review status: criteria provided, single submitter. Criteria: Invitae Variant Classification Sherloc (09022015). Collection method: clinical testing. Allele origin: germline.
Comment: This sequence change replaces tryptophan, which is neutral and slightly polar, with cysteine, which is neutral and slightly polar, at codon 246 of the PRPH2 protein (p.Trp246Cys). This variant is not present in population databases (gnomAD no frequency). This missense change has been observed in individual(s) with clinical features of PRPH2-related conditions (PMID: 25447119). It has also been observed to segregate with disease in related individuals. Advanced modeling of protein sequence and biophysical properties (such as structural, functional, and spatial information, amino acid conservation, physicochemical variation, residue mobility, and thermodynamic stability) performed at Invitae indicates that this missense variant is expected to disrupt PRPH2 protein function with a positive predictive value of 95%. This variant disrupts the p.Trp246 amino acid residue in PRPH2. Other variant(s) that disrupt this residue have been determined to be pathogenic (Invitae). This suggests that this residue is clinically significant, and that variants that disrupt this residue are likely to be disease-causing. For these reasons, this variant has been classified as Pathogenic.

Literature cited by the submitters: PubMed 25447119.